The following is an entry in ClinVar:

ClinVar aggregate classification (germline): Conflicting classifications of pathogenicity. Review status: criteria provided, conflicting classifications (1 of 4 stars). 3 submissions from 3 submitters: Likely pathogenic (1); Uncertain significance (1). 1 of the submissions does not count toward it. Last evaluated 2025-08-24.

Conditions:
CBL-related disorder. Also called: CBL MUTATION-ASSOCIATED SYNDROME; CBL SYNDROME; NOONAN SYNDROME-LIKE DISORDER WITHOUT JUVENILE MYELOMONOCYTIC LEUKEMIA. Identifiers: Orphanet 363972, MedGen C3150803, MONDO:0013308, OMIM 613563.
RASopathy. Also called: Noonan spectrum disorder; rasopathies. Identifiers: Orphanet 536391, MedGen C5555857, MONDO:0021060.

Allele frequency attached by ClinVar (database versions not stated): gnomAD exomes below 0.00001; ExAC 0.00002.
gnomAD v4.1: 2 of 1,614,138 alleles (0.00012%); highest among the groups gnomAD compares: Non-Finnish European, 0.00017%; no homozygotes.

Submissions (3):

Labcorp Genetics (formerly Invitae), Labcorp
Classification: Uncertain significance for RASopathy. Last evaluated: 2025-08-24. Review status: criteria provided, single submitter. Criteria: Invitae Variant Classification Sherloc (09022015). Collection method: clinical testing. Allele origin: germline.
Comment: This sequence change replaces cysteine, which is neutral and slightly polar, with serine, which is neutral and polar, at codon 416 of the CBL protein (p.Cys416Ser). This variant is present in population databases (rs757456261, gnomAD 0.0009%). This variant has not been reported in the literature in individuals affected with CBL-related conditions. ClinVar contains an entry for this variant (Variation ID: 975833). Invitae Evidence Modeling of protein sequence and biophysical properties (such as structural, functional, and spatial information, amino acid conservation, physicochemical variation, residue mobility, and thermodynamic stability) indicates that this missense variant is expected to disrupt CBL protein function with a positive predictive value of 95%. In summary, the available evidence is currently insufficient to determine the role of this variant in disease. Therefore, it has been classified as a Variant of Uncertain Significance.

CeGaT Center for Human Genetics Tuebingen
Classification: Likely pathogenic. Last evaluated: 2023-08-01. Review status: criteria provided, single submitter. Criteria: CeGaT Center For Human Genetics Tuebingen Variant Classification Criteria Version 2. Collection method: clinical testing. Allele origin: germline. Affected: yes. Observed: 2 variant alleles.
Comment: CBL: PM1:Strong, PM2

Clinical Genomics Laboratory, Stanford Medicine
Classification: Likely pathogenic for CBL-related disorder. Last evaluated: 2018-10-22. Review status: no assertion criteria provided. Collection method: clinical testing. Allele origin: germline. Inheritance: Autosomal dominant inheritance. Affected: yes. Not counted in ClinVar's aggregate classification.
Comment: The p.Cys416Ser variant in the CBL gene has not been previously reported in association with disease. The p.Cys416Ser variant has been identified in (1/111,608) non-Finnish European alleles by the Genome Aggregation Database. The p.Cys416Ser variant is located in the RING-finger domain of CBL and other disease-associated variants have been described in this domain which disrupt the function of CBL. Computational tools predict that the p.Cys416Ser variant is deleterious; however, the accuracy of in silico algorithms is limited. These data were assessed using the ACMG/AMP variant interpretation guidelines. In summary, there is sufficient evidence to classify the p.Cys416Ser variant as likely pathogenic for Noonan syndrome-like disorder with or without juvenile myelomonocytic leukemia in an autosomal dominant manner based on the information above. [ACMG evidence codes used: PS2_moderate, PM1, PM2]

NM_005188.4(CBL):c.1247G>C (p.Cys416Ser)

Gene: CBL (Cbl proto-oncogene; plus strand). Cytogenetic location: 11q23.3.
Variant type: single nucleotide variant.
Coding change: c.1247G>C on transcript NM_005188.4 (MANE Select); coding-DNA position 1247, G replaced by C.
Protein change: p.Cys416Ser; replaces cysteine 416 with serine.
Molecular consequence: missense variant.
Genome position (GRCh38, 1-based): chr11:119,278,529, G>C. VCF-style: chr11-119278529-G-C. GRCh37 (hg19) VCF-style: chr11-119149239-G-C.
Other names: short protein forms C416S.
Identifiers: ClinVar variation 975833 (VCV000975833.32), dbSNP rs757456261, ClinGen allele CA6318482.